The following is an entry in ClinVar:

ClinVar aggregate classification (germline): Pathogenic (1 of 4 stars; one submission).

Conditions:
Kabuki syndrome. Also called: Kabuki make-up syndrome; NIIKAWA-KUROKI SYNDROME. Identifiers: Orphanet 2322, MedGen C0796004, MONDO:0016512.

Submission:

Labcorp Genetics (formerly Invitae), Labcorp
Classification: Pathogenic for Kabuki syndrome. Last evaluated: 2020-02-12. Review status: criteria provided, single submitter. Criteria: Invitae Variant Classification Sherloc (09022015). Collection method: clinical testing. Allele origin: germline.
Comment: This sequence change creates a premature translational stop signal (p.Gln4429Serfs*3) in the KMT2D gene. It is expected to result in an absent or disrupted protein product. This variant is not present in population databases (ExAC no frequency). For these reasons, this variant has been classified as Pathogenic. Loss-of-function variants in KMT2D are known to be pathogenic (PMID: 22126750). This variant has not been reported in the literature in individuals with KMT2D-related conditions.

Literature cited by the submitters: PubMed 22126750.

NM_003482.4(KMT2D):c.13285del (p.Gln4429fs)

Gene: KMT2D (lysine methyltransferase 2D; minus strand). Cytogenetic location: 12q13.12.
Variant type: Deletion.
Coding change: c.13285del on transcript NM_003482.4 (MANE Select); coding-DNA position 13285, one base deleted (C; older notation c.13285delC).
Protein change: p.Gln4429fs; shifts the reading frame from glutamine 4429.
Molecular consequence: frameshift variant.
Genome position (GRCh38, 1-based): chr12:49,031,420, G deleted on the plus strand (C on the coding strand, the reverse complement: KMT2D is on the minus strand); the first of 3 consecutive G bases (chr12:49,031,420-49,031,422); deleting any one gives the same sequence. VCF-style (leftmost placement, unchanged base first): chr12-49031419-TG-T. GRCh37 (hg19) VCF-style: chr12-49425202-TG-T.
Other names: short protein forms Q4429fs.
Identifiers: ClinVar variation 1076824 (VCV001076824.7), dbSNP rs2120419993, ClinGen allele CA2499221712.